The following is an entry in ClinVar:

NM_000520.6(HEXA):c.1273A>G (p.Ile425Val)

Gene: HEXA (hexosaminidase subunit alpha; minus strand). Cytogenetic location: 15q23.
Variant type: single nucleotide variant.
Coding change: c.1273A>G on transcript NM_000520.6 (MANE Select); coding-DNA position 1273, A replaced by G.
Protein change: p.Ile425Val; replaces isoleucine 425 with valine.
Molecular consequence: missense variant.
Genome position (GRCh38, 1-based): chr15:72,346,584, T>C on the plus strand (A>G on the coding strand, the complement: HEXA is on the minus strand). VCF-style: chr15-72346584-T-C. GRCh37 (hg19) VCF-style: chr15-72638925-T-C.
Other names: c.1306A>G, p.Ile436Val (NM_001318825.2); short protein forms I425V, I436V.
Identifiers: ClinVar variation 1360103 (VCV001360103.8), dbSNP rs2088617363, ClinGen allele CA393060683.
Genomic context (GRCh38, chr15:72,346,584, plus strand): 5'-CACCTTCAAATGCCAGGGGTTCCACTATGTAGAAATCCTTCCAGTCAGGGCCATAGGATA[T>C]ACGGTTCAGGTACCAGGGGGCAGAGAGAAGGGCCCGGAAGCCGGCCTTGGTGACCAGTTC-3'
Protein context (NP_000511.2, residues 415-435): LLSAPWYLNR[Ile425Val]SYGPDWKDFY

ClinVar aggregate classification (germline): Uncertain significance (1 of 4 stars; one submission).

Conditions:
Tay-Sachs disease (TSD). Also called: HEXA Disorders; HEXA DEFICIENCY; GM2 gangliosidosis, type 1; Hexosaminidase alpha-subunit deficiency (variant B); Sphingolipidosis, Tay-Sachs; Hexosaminidase A Deficiency. Identifiers: Orphanet 845, MedGen C0039373, MONDO:0010100, OMIM 272800.

Allele frequency attached by ClinVar (database versions not stated): gnomAD exomes below 0.00001.
gnomAD v4.1: 2 of 1,613,840 alleles (0.00012%); highest among the groups gnomAD compares: East Asian, 0.0045%; no homozygotes.

Submission:

Labcorp Genetics (formerly Invitae), Labcorp
Classification: Uncertain significance for Tay-Sachs disease. Last evaluated: 2021-08-19. Review status: criteria provided, single submitter. Criteria: Invitae Variant Classification Sherloc (09022015). Collection method: clinical testing. Allele origin: germline.
Comment: This variant is not present in population databases (ExAC no frequency). This sequence change replaces isoleucine with valine at codon 425 of the HEXA protein (p.Ile425Val). The isoleucine residue is moderately conserved and there is a small physicochemical difference between isoleucine and valine. This variant has not been reported in the literature in individuals affected with HEXA-related conditions. In summary, the available evidence is currently insufficient to determine the role of this variant in disease. Therefore, it has been classified as a Variant of Uncertain Significance. Algorithms developed to predict the effect of missense changes on protein structure and function output the following: SIFT: "Tolerated"; PolyPhen-2: "Benign"; Align-GVGD: "Class C0". The valine amino acid residue is found in multiple mammalian species, which suggests that this missense change does not adversely affect protein function.